The following is an entry in ClinVar:

ClinVar aggregate classification (germline): Uncertain significance. Review status: criteria provided, multiple submitters, no conflicts (2 of 4 stars). 6 submissions from 6 submitters: Uncertain significance (4). 2 of the submissions do not count toward it. Last evaluated 2025-07-02.

Conditions:
Retinitis pigmentosa 28 (RP28). Identifiers: Orphanet 791, MedGen C1419614, MONDO:0011630, OMIM 606068.
Inborn genetic diseases. Identifiers: MedGen C0950123, MeSH D030342.
Retinal dystrophy. Also called: Inherited retinal dystrophy. Identifiers: Orphanet 71862, MedGen C0854723, MeSH D058499, MONDO:0019118, HP:0000556.
Retinitis pigmentosa (RP). Identifiers: Orphanet 791, MedGen C0035334, MeSH D012174, MONDO:0019200, OMIM 268000. Inheritance: Autosomal dominant, autosomal recessive and X linked inheritance.

Allele frequency attached by ClinVar (database versions not stated): ESP Exome Variant Server 0.00008; gnomAD exomes 0.00012; gnomAD 0.00013 and 0.00014; TOPMed 0.00013; ExAC 0.00015.
gnomAD v4.1: 384 of 1,614,042 alleles (0.024%); highest among the groups gnomAD compares: Non-Finnish European, 0.032%; no homozygotes.

Submissions (6):

Ambry Genetics
Classification: Uncertain significance for Inborn genetic diseases. Last evaluated: 2025-07-02. Review status: criteria provided, single submitter. Criteria: Ambry Variant Classification Scheme 2023. Collection method: clinical testing. Allele origin: germline.

Labcorp Genetics (formerly Invitae), Labcorp
Classification: Uncertain significance. Last evaluated: 2025-01-13. Review status: criteria provided, single submitter. Criteria: Invitae Variant Classification Sherloc (09022015). Collection method: clinical testing. Allele origin: germline.
Comment: This sequence change replaces valine, which is neutral and non-polar, with isoleucine, which is neutral and non-polar, at codon 424 of the FAM161A protein (p.Val424Ile). This variant is present in population databases (rs377666612, gnomAD 0.03%). This variant has not been reported in the literature in individuals affected with FAM161A-related conditions. ClinVar contains an entry for this variant (Variation ID: 336738). Invitae Evidence Modeling of protein sequence and biophysical properties (such as structural, functional, and spatial information, amino acid conservation, physicochemical variation, residue mobility, and thermodynamic stability) indicates that this missense variant is not expected to disrupt FAM161A protein function with a negative predictive value of 80%. In summary, the available evidence is currently insufficient to determine the role of this variant in disease. Therefore, it has been classified as a Variant of Uncertain Significance.

Blueprint Genetics
Classification: Uncertain significance. Last evaluated: 2024-09-09. Review status: criteria provided, single submitter. Criteria: ACMG Guidelines, 2015. Collection method: clinical testing. Allele origin: germline.

Illumina Laboratory Services, Illumina
Classification: Uncertain significance for Retinitis pigmentosa. Last evaluated: 2018-01-13. Review status: criteria provided, single submitter. Criteria: ICSL Variant Classification Criteria 13 December 2019. Collection method: clinical testing. Allele origin: germline.

Institute of Human Genetics, Univ. Regensburg, Univ. Regensburg
Classification: Uncertain significance for Retinal dystrophy. Last evaluated: 2022-01-01. Review status: no assertion criteria provided. Criteria: ACMG Guidelines, 2015. Collection method: clinical testing. Allele origin: germline. Affected: yes. Not counted in ClinVar's aggregate classification.

Natera, Inc.
Classification: Uncertain significance for Retinitis pigmentosa type 28. Last evaluated: 2019-11-11. Review status: no assertion criteria provided. Collection method: clinical testing. Allele origin: germline. Not counted in ClinVar's aggregate classification.

NM_001201543.2(FAM161A):c.1270G>A (p.Val424Ile)

Gene: FAM161A (FAM161 centrosomal protein A; minus strand). Cytogenetic location: 2p15.
Variant type: single nucleotide variant.
Coding change: c.1270G>A on transcript NM_001201543.2 (MANE Select); coding-DNA position 1270, G replaced by A.
Protein change: p.Val424Ile; replaces valine 424 with isoleucine.
Molecular consequence: missense variant. On other transcripts: non-coding transcript variant (1).
Genome position (GRCh38, 1-based): chr2:61,839,734, C>T on the plus strand (G>A on the coding strand, the complement: FAM161A is on the minus strand). VCF-style: chr2-61839734-C-T. GRCh37 (hg19) VCF-style: chr2-62066869-C-T.
Other names: c.1270G>A, p.Val424Ile (NM_032180.3); short protein forms V424I.
Identifiers: ClinVar variation 336738 (VCV000336738.14), dbSNP rs377666612, ClinGen allele CA1679179.
Genomic context (GRCh38, chr2:61,839,734, plus strand): 5'-CTGAGAGGTGTTTCTGGTATCTCTCAGGAAGGTCCTCAAAATCAGGAGTTGGGCACCTAA[C>T]CTTGTGTTTACACTTCAACTTTACAGCCTGTTCAGGACACCTGGGGTTCCTGCATCCACA-3'
Protein context (NP_001188472.1, residues 414-434): QAVKLKCKHK[Val424Ile]RCPTPDFEDL